The following is an entry in ClinVar:

NM_001042492.3(NF1):c.4736A>G (p.His1579Arg)

Gene: NF1 (neurofibromin 1; plus strand). Cytogenetic location: 17q11.2.
Variant type: single nucleotide variant.
Coding change: c.4736A>G on transcript NM_001042492.3 (MANE Select); coding-DNA position 4736, A replaced by G.
Protein change: p.His1579Arg; replaces histidine 1579 with arginine.
Molecular consequence: missense variant.
Genome position (GRCh38, 1-based): chr17:31,265,240, A>G. VCF-style: chr17-31265240-A-G. GRCh37 (hg19) VCF-style: chr17-29592258-A-G.
Other names: c.4673A>G, p.His1558Arg (NM_000267.4); short protein forms H1558R, H1579R.
Identifiers: ClinVar variation 561833 (VCV000561833.10), dbSNP rs1275751975, ClinGen allele CA399001168.

ClinVar aggregate classification (germline): Uncertain significance. Review status: criteria provided, multiple submitters, no conflicts (2 of 4 stars). 4 submissions from 4 submitters: Uncertain significance (4). Last evaluated 2025-12-15.

Conditions:
Neurofibromatosis, type 1 (NF1). Also called: VON RECKLINGHAUSEN DISEASE; NEUROFIBROMATOSIS, TYPE I, SOMATIC; Peripheral type neurofibromatosis; Neurofibromatosis, type I. Identifiers: Orphanet 636, MedGen C0027831, MONDO:0018975, OMIM 162200. Disease mechanism: loss of function.
Hereditary cancer-predisposing syndrome. Also called: Neoplastic Syndromes, Hereditary; Tumor predisposition; Hereditary Cancer Syndrome; Hereditary neoplastic syndrome. Identifiers: Orphanet 140162, MedGen C0027672, MeSH D009386, MONDO:0015356.
Cardiovascular phenotype. Identifiers: MedGen CN230736.

Allele frequency attached by ClinVar (database versions not stated): gnomAD exomes below 0.00001; gnomAD 0.00001; TOPMed 0.00001.
gnomAD v4.1: 4 of 1,611,948 alleles (0.00025%); highest among the groups gnomAD compares: African/African-American, 0.0013%; no homozygotes.

Submissions (4):

Labcorp Genetics (formerly Invitae), Labcorp
Classification: Uncertain significance for Neurofibromatosis, type 1. Last evaluated: 2025-12-15. Review status: criteria provided, single submitter. Criteria: Invitae Variant Classification Sherloc (09022015). Collection method: clinical testing. Allele origin: germline.
Comment: This sequence change replaces histidine, which is basic and polar, with arginine, which is basic and polar, at codon 1558 of the NF1 protein (p.His1558Arg). This variant is present in population databases (no rsID available, gnomAD 0.01%). This variant has not been reported in the literature in individuals affected with NF1-related conditions. ClinVar contains an entry for this variant (Variation ID: 561833). Invitae Evidence Modeling of protein sequence and biophysical properties (such as structural, functional, and spatial information, amino acid conservation, physicochemical variation, residue mobility, and thermodynamic stability) has been performed for this missense variant. However, the output from this modeling did not meet the statistical confidence thresholds required to predict the impact of this variant on NF1 protein function. In summary, the available evidence is currently insufficient to determine the role of this variant in disease. Therefore, it has been classified as a Variant of Uncertain Significance.

Ambry Genetics
Classification: Uncertain significance for Cardiovascular phenotype; Hereditary cancer-predisposing syndrome. Last evaluated: 2023-12-28. Review status: criteria provided, single submitter. Criteria: Ambry Variant Classification Scheme 2023. Collection method: clinical testing. Allele origin: germline.
Comment: The p.H1558R variant (also known as c.4673A>G), located in coding exon 35 of the NF1 gene, results from an A to G substitution at nucleotide position 4673. The histidine at codon 1558 is replaced by arginine, an amino acid with highly similar properties. This amino acid position is highly conserved in available vertebrate species. In addition, the in silico prediction for this alteration is inconclusive. Since supporting evidence is limited at this time, the clinical significance of this alteration remains unclear.

Genome-Nilou Lab
Classification: Uncertain significance for Neurofibromatosis, type 1. Last evaluated: 2022-03-15. Review status: criteria provided, single submitter. Criteria: ACMG Guidelines, 2015. Collection method: clinical testing. Allele origin: germline. Affected: no.

GeneDx
Classification: Uncertain significance. Last evaluated: 2018-04-30. Review status: criteria provided, single submitter. Criteria: GeneDx Variant Classification (06012015). Collection method: clinical testing. Allele origin: germline. Affected: yes.
Comment: This variant is denoted NF1 c.4673A>G at the cDNA level, p.His1558Arg (H1558R) at the protein level, and results in the change of a Histidine to an Arginine (CAT>CGT). This variant has not, to our knowledge, been published in the literature as pathogenic or benign. NF1 His1558Arg was observed at an allele frequency of 0.01% (1/8730) in individuals of African ancestry in large population cohorts (Lek 2016). This variant is not located in a known functional domain. In silico analysis, which includes protein predictors and evolutionary conservation, supports a deleterious effect. Based on currently available evidence, it is unclear whether NF1 His1558Arg is a pathogenic or benign variant. We consider it to be a variant of uncertain significance.